The following is an entry in ClinVar:

NM_005120.3(MED12):c.6076A>G (p.Met2026Val)

Gene: MED12 (mediator complex subunit 12; plus strand). Cytogenetic location: Xq13.1.
Variant type: single nucleotide variant.
Coding change: c.6076A>G on transcript NM_005120.3 (MANE Select); coding-DNA position 6076, A replaced by G.
Protein change: p.Met2026Val; replaces methionine 2026 with valine.
Molecular consequence: missense variant.
Genome position (GRCh38, 1-based): chrX:71,140,666, A>G. VCF-style: chrX-71140666-A-G. GRCh37 (hg19) VCF-style: chrX-70360516-A-G.
Other names: c.6076A>G (NM_005120.2); short protein forms M2026V.
Identifiers: ClinVar variation 1360673 (VCV001360673.10), dbSNP rs1294140756, ClinGen allele CA413539721.

ClinVar aggregate classification (germline): Uncertain significance. Review status: criteria provided, multiple submitters, no conflicts (2 of 4 stars). 3 submissions from 3 submitters: Uncertain significance (3). Last evaluated 2025-05-18.

Conditions:
X-linked intellectual disability with marfanoid habitus. Also called: INTELLECTUAL DEVELOPMENTAL DISORDER, X-LINKED, SYNDROMIC, LUJAN-FRYNS TYPE; Lujan Syndrome; X-linked mental retardation with marfanoid habitus syndrome; Lujan Syndrome (LS). Identifiers: Orphanet 776, MedGen C0796022, MONDO:0010655, OMIM 309520.
Cholestasis-pigmentary retinopathy-cleft palate syndrome (HDKR). Also called: Hardikar Syndrome (HS). Identifiers: Orphanet 1415, MedGen C0795969, MeSH C535632, MONDO:0012997, OMIM 301068.
Blepharophimosis - intellectual disability syndrome, MKB type. Also called: X-Linked Ohdo Syndrome (XLOS); BLEPHAROPHIMOSIS-MENTAL RETARDATION SYNDROME, MAAT-KIEVIT-BRUNNER TYPE; Ohdo syndrome, X-linked. Identifiers: Orphanet 293707, MedGen C3698541, MONDO:0010477, OMIM 300895.
FG syndrome 1 (OKS). Also called: OPITZ-KAVEGGIA SYNDROME; KELLER SYNDROME; MENTAL RETARDATION, LARGE HEAD, IMPERFORATE ANUS, CONGENITAL HYPOTONIA, AND PARTIAL AGENESIS OF CORPUS CALLOSUM; FG Syndrome Type 1 (FGS1). Identifiers: Orphanet 93932, MedGen C5399762, MONDO:0010590, OMIM 305450.
Familial thoracic aortic aneurysm and aortic dissection (TAAD). Also called: Thoracic aortic aneurysms and dissections. Identifiers: Orphanet 91387, MedGen C4707243, MONDO:0019625.
FG syndrome (FGS). Identifiers: MedGen C0220769, MONDO:0002010.

Allele frequency attached by ClinVar (database versions not stated): TOPMed 0.00001; gnomAD exomes 0.00001; gnomAD 0.00002.
gnomAD v4.1: 12 of 1,208,253 alleles (0.00099%); highest among the groups gnomAD compares: Admixed American, 0.0022%; no homozygotes.

Submissions (3):

Ambry Genetics
Classification: Uncertain significance for Familial thoracic aortic aneurysm and aortic dissection. Last evaluated: 2025-05-18. Review status: criteria provided, single submitter. Criteria: Ambry Variant Classification Scheme 2023. Collection method: clinical testing. Allele origin: germline.
Comment: The p.M2026V variant (also known as c.6076A>G), located in coding exon 42 of the MED12 gene, results from an A to G substitution at nucleotide position 6076. The methionine at codon 2026 is replaced by valine, an amino acid with highly similar properties. This amino acid position is conserved. In addition, the in silico prediction for this alteration is inconclusive. Based on the available evidence, the clinical significance of this variant remains unclear.

Fulgent Genetics
Classification: Uncertain significance for Blepharophimosis - intellectual disability syndrome, MKB type; Cholestasis-pigmentary retinopathy-cleft palate syndrome; FG syndrome 1; X-linked intellectual disability with marfanoid habitus. Last evaluated: 2021-08-06. Review status: criteria provided, single submitter. Criteria: ACMG Guidelines, 2015. Collection method: clinical testing. Allele origin: unknown.

Labcorp Genetics (formerly Invitae), Labcorp
Classification: Uncertain significance for FG syndrome. Last evaluated: 2021-07-28. Review status: criteria provided, single submitter. Criteria: Invitae Variant Classification Sherloc (09022015). Collection method: clinical testing. Allele origin: germline.
Comment: In summary, the available evidence is currently insufficient to determine the role of this variant in disease. Therefore, it has been classified as a Variant of Uncertain Significance. Advanced modeling of protein sequence and biophysical properties (such as structural, functional, and spatial information, amino acid conservation, physicochemical variation, residue mobility, and thermodynamic stability) performed at Invitae indicates that this missense variant is not expected to disrupt MED12 protein function. This variant has not been reported in the literature in individuals with MED12-related conditions. This variant is not present in population databases (ExAC no frequency). This sequence change replaces methionine with valine at codon 2026 of the MED12 protein (p.Met2026Val). The methionine residue is highly conserved and there is a small physicochemical difference between methionine and valine.